The following is an entry in ClinVar:

ClinVar aggregate classification (germline): Uncertain significance (1 of 4 stars; one submission).

Conditions:
Inborn genetic diseases. Identifiers: MedGen C0950123, MeSH D030342.

gnomAD v4.1: 44 of 1,614,210 alleles (0.0027%); highest among the groups gnomAD compares: Non-Finnish European, 0.0037%; no homozygotes.

Submission:

Ambry Genetics
Classification: Uncertain significance for Inborn genetic diseases. Last evaluated: 2025-01-29. Review status: criteria provided, single submitter. Criteria: Ambry Variant Classification Scheme 2023. Collection method: clinical testing. Allele origin: germline.
Comment: The p.D205E variant (also known as c.615T>G), located in coding exon 5 of the FANCG gene, results from a T to G substitution at nucleotide position 615. The aspartic acid at codon 205 is replaced by glutamic acid, an amino acid with highly similar properties. This amino acid position is conserved. In addition, this alteration is predicted to be tolerated by in silico analysis. Based on the available evidence, the clinical significance of this variant remains unclear.

NM_004629.2(FANCG):c.615T>G (p.Asp205Glu)

Gene: FANCG (FA complementation group G; minus strand). Cytogenetic location: 9p13.3.
Variant type: single nucleotide variant.
Coding change: c.615T>G on transcript NM_004629.2 (MANE Select); coding-DNA position 615, T replaced by G.
Protein change: p.Asp205Glu; replaces aspartic acid 205 with glutamic acid.
Molecular consequence: missense variant.
Genome position (GRCh38, 1-based): chr9:35,077,295, A>C on the plus strand (T>G on the coding strand, the complement: FANCG is on the minus strand). VCF-style: chr9-35077295-A-C. GRCh37 (hg19) VCF-style: chr9-35077292-A-C.
Other names: short protein forms D205E.
Identifiers: ClinVar variation 3512869 (VCV003512869.2).
Genomic context (GRCh38, chr9:35,077,295, plus strand): 5'-AGAAGAGATGAGTCAGGTTGCTAGCTGACCTTGGCGGTAGGCAAATGCTGTCAGGAGGAC[A>C]TCCTTCAATCCCTGGGCATCCTGCAGGGTCAATGGAGCATCTAATTCCTCAGCTGGGGGA-3'
Protein context (NP_004620.1, residues 195-215): LTLQDAQGLK[Asp205Glu]VLLTAFAYRQ